The following is an entry in ClinVar:

NM_007294.4(BRCA1):c.1292T>G (p.Leu431Ter)

Gene: BRCA1 (BRCA1 DNA repair associated; minus strand). Cytogenetic location: 17q21.31.
Variant type: single nucleotide variant.
Coding change: c.1292T>G on transcript NM_007294.4 (MANE Select); coding-DNA position 1292, T replaced by G.
Protein change: p.Leu431Ter; replaces leucine 431 with a stop codon.
Molecular consequence: nonsense. On other transcripts: intron variant (137).
Genome position (GRCh38, 1-based): chr17:43,094,239, A>C on the plus strand (T>G on the coding strand, the complement: BRCA1 is on the minus strand). VCF-style: chr17-43094239-A-C. GRCh37 (hg19) VCF-style: chr17-41246256-A-C.
Other names: c.1169T>G, p.Leu390Ter (NM_001407648.1, NM_001407664.1, NM_001407665.1 and 19 more transcripts); c.1166T>G, p.Leu389Ter (NM_001407649.1, NM_001407670.1, NM_001407671.1 and 11 more transcripts); c.1292T>G, p.Leu431Ter (NM_001407652.1, NM_001407684.1, NM_001407854.1 and 30 more transcripts); c.1214T>G, p.Leu405Ter (NM_001407653.1, NM_001407654.1, NM_001407655.1 and 4 more transcripts); c.1211T>G, p.Leu404Ter (NM_001407659.1, NM_001407660.1, NM_001407661.1 and 1 more transcripts); c.1151T>G, p.Leu384Ter (NM_001407692.1, NM_001407694.1, NM_001407695.1 and 29 more transcripts); c.1148T>G, p.Leu383Ter (NM_001407740.1, NM_001407741.1, NM_001407742.1 and 20 more transcripts); c.1079T>G, p.Leu360Ter (NM_001407853.1, NM_001407894.1, NM_001407895.1 and 9 more transcripts); and 40 more; short protein forms L431*, L384*, L303*, L320*, L363*, L135*, L342*, L360*.
Identifiers: ClinVar variation 54187 (VCV000054187.8), dbSNP rs80357346, ClinGen allele CA000845.

ClinVar aggregate classification (germline): Pathogenic. Review status: reviewed by expert panel (3 of 4 stars). 5 submissions from 5 submitters: Pathogenic (1). 4 of the submissions do not count toward it. Last evaluated 2016-09-08.

Conditions:
Fanconi anemia, complementation group S (FANCS). Identifiers: MedGen C4554406, MONDO:0054748, OMIM 617883.
Hereditary cancer-predisposing syndrome. Also called: Tumor predisposition; Neoplastic Syndromes, Hereditary; Hereditary Cancer Syndrome; Hereditary neoplastic syndrome. Identifiers: Orphanet 140162, MedGen C0027672, MeSH D009386, MONDO:0015356.
Breast-ovarian cancer, familial, susceptibility to, 1 (BROVCA1). Also called: OVARIAN CANCER, SUSCEPTIBILITY TO; BRCA1 Hereditary Breast and Ovarian Cancer. Identifiers: Orphanet 145, MedGen C2676676, MONDO:0011450, OMIM 604370. Disease mechanism: loss of function.

Submissions (5):

Evidence-based Network for the Interpretation of Germline Mutant Alleles (ENIGMA)
Classification: Pathogenic for Breast-ovarian cancer, familial, susceptibility to, 1. Last evaluated: 2016-09-08. Review status: reviewed by expert panel. Criteria: ENIGMA BRCA1/2 Classification Criteria (2015). Collection method: curation. Allele origin: germline.
Comment: Variant allele predicted to encode a truncated non-functional protein.

Ambry Genetics
Classification: Pathogenic for Hereditary cancer-predisposing syndrome. Last evaluated: 2019-11-27. Review status: criteria provided, single submitter. Criteria: Ambry Variant Classification Scheme 2023. Collection method: clinical testing. Allele origin: germline. Not counted in ClinVar's aggregate classification.
Comment: The p.L431* pathogenic mutation (also known as c.1292T>G), located in coding exon 9 of the BRCA1 gene, results from a T to G substitution at nucleotide position 1292. This changes the amino acid from a leucine to a stop codon within coding exon 9. This pathogenic variant has been detected in multiple individuals diagnosed with breast and/or ovarian cancer (Peyrat JP et al. Eur. J. Cancer Prev. 1998 Feb;7 Suppl 1:S7-12; Rebbeck TR et al. Hum. Mutat. 2018 05;39:593-620). It has also been detected in the homozygous state in two siblings with Fanconi Anemia (Seo A et al. Proc. Natl. Acad. Sci. U.S.A. 2018 05;115:5241-5246). Of note, this alteration is also designated as 1411T>G in published literature. In addition to the clinical data presented in the literature, this alteration is expected to result in loss of function by premature protein truncation or nonsense-mediated mRNA decay. As such, this alteration is interpreted as a disease-causing mutation. However, because this variant is identified in one or more patients with Fanconi Anemia it may be hypomorphic and thus, carriers of this variant and their families may present with reduced risks, and not with the typical clinical characteristics of a high-risk pathogenic BRCA1 alteration. As risk estimates are unknown at this time, clinical correlation is advised.

Consortium of Investigators of Modifiers of BRCA1/2 (CIMBA), c/o University of Cambridge
Classification: Pathogenic for Breast-ovarian cancer, familial, susceptibility to, 1. Last evaluated: 2015-10-02. Review status: criteria provided, single submitter. Criteria: CIMBA Mutation Classification guidelines May 2016. Collection method: clinical testing. Allele origin: germline. Not counted in ClinVar's aggregate classification.

OMIM
Classification: Pathogenic for FANCONI ANEMIA, COMPLEMENTATION GROUP S. Last evaluated: 2019-04-16. Review status: no assertion criteria provided. Collection method: literature only. Allele origin: unknown. Not counted in ClinVar's aggregate classification.

Breast Cancer Information Core (BIC) (BRCA1)
Classification: Pathogenic for Breast-ovarian cancer, familial 1. Review status: no assertion criteria provided. Collection method: clinical testing. Allele origin: germline. Affected: yes. Observed: 1 variant allele. Not counted in ClinVar's aggregate classification.

Literature cited by the submitters: PubMed 10866029 (cited by Ambry Genetics); PubMed 29446198 (cited by Ambry Genetics); PubMed 29712865 (cited by Ambry Genetics and OMIM).